The following is an entry in ClinVar:

NM_000875.5(IGF1R):c.*4814C>T

Gene: IGF1R (insulin like growth factor 1 receptor; plus strand). Cytogenetic location: 15q26.3.
Variant type: single nucleotide variant.
Coding change: c.*4814C>T on transcript NM_000875.5 (MANE Select); 4814 bases downstream of the stop codon, C replaced by T.
Molecular consequence: 3 prime UTR variant.
Genome position (GRCh38, 1-based): chr15:98,962,256, C>T. VCF-style: chr15-98962256-C-T. GRCh37 (hg19) VCF-style: chr15-99505485-C-T.
Other names: c.*4814C>T (NM_001291858.2).
Identifiers: ClinVar variation 317592 (VCV000317592.6), dbSNP rs2684786, ClinGen allele CA10646785.

ClinVar aggregate classification (germline): Benign. Review status: criteria provided, multiple submitters, no conflicts (2 of 4 stars). 2 submissions from 2 submitters: Benign (2). Last evaluated 2018-01-13.

Conditions:
Growth delay due to insulin-like growth factor I resistance. Also called: Somatomedin end-organ insensitivity to; Somatomedin-c resistance to; IGF-1 resistance; IGF-I RESISTANCE; Insulin-Like Growth Factor I Resistance. Identifiers: Orphanet 73273, MedGen C1849157, MONDO:0010038, OMIM 270450.

Allele frequency attached by ClinVar (database versions not stated): 1000 Genomes Project 0.10443; 1000 Genomes Project 30x 0.10650; TOPMed 0.17746; gnomAD 0.18224 and 0.18785; gnomAD exomes 0.18884.
gnomAD v4.1: 43,105 of 233,210 alleles (18%); highest among the groups gnomAD compares: Non-Finnish European, 24%; 4,506 homozygotes.

Submissions (2):

Illumina Laboratory Services, Illumina
Classification: Benign for Growth delay due to insulin-like growth factor I resistance. Last evaluated: 2018-01-13. Review status: criteria provided, single submitter. Criteria: ICSL Variant Classification Criteria 13 December 2019. Collection method: clinical testing. Allele origin: germline.
Comment: This variant was observed in the ICSL laboratory as part of a predisposition screen in an ostensibly healthy population. It had not been previously curated by ICSL or reported in the Human Gene Mutation Database (HGMD: prior to June 1st, 2018), and was therefore a candidate for classification through an automated scoring system. Utilizing variant allele frequency, disease prevalence and penetrance estimates, and inheritance mode, an automated score was calculated to assess if this variant is too frequent to cause the disease. Based on the score and internal cut-off values, a variant classified as benign is not then subjected to further curation. The score for this variant resulted in a classification of benign for this disease.

Breakthrough Genomics
Classification: Benign. Review status: criteria provided, single submitter. Criteria: ACMG Guidelines, 2015. Collection method: not provided. Allele origin: germline. Inheritance: Autosomal dominant inheritance. Affected: yes.